The following is an entry in ClinVar:

ClinVar aggregate classification (germline): Likely benign. Review status: criteria provided, single submitter (1 of 4 stars). 2 submissions from 2 submitters: Likely benign (1). 1 of the submissions does not count toward it. Last evaluated 2023-12-17.

Conditions:
Peroxisome biogenesis disorder. Identifiers: Orphanet 79189, MedGen C1832200, MONDO:0019234. Disease mechanism: loss of function.
PEX16-related disorder. Also called: PEX16-related condition.

Allele frequency attached by ClinVar (database versions not stated): gnomAD exomes below 0.00001; ExAC 0.00001; gnomAD 0.00001; TOPMed 0.00001; ESP Exome Variant Server 0.00008.
gnomAD v4.1: 7 of 1,612,470 alleles (0.00043%); highest among the groups gnomAD compares: Non-Finnish European, 0.00059%; no homozygotes.

Submissions (2):

Labcorp Genetics (formerly Invitae), Labcorp
Classification: Likely benign for Peroxisome biogenesis disorder. Last evaluated: 2023-12-17. Review status: criteria provided, single submitter. Criteria: Invitae Variant Classification Sherloc (09022015). Collection method: clinical testing. Allele origin: germline.

PreventionGenetics, part of Exact Sciences
Classification: Likely benign for PEX16-related condition. Last evaluated: 2022-03-18. Review status: no assertion criteria provided. Collection method: clinical testing. Allele origin: germline. Not counted in ClinVar's aggregate classification.
Comment: This variant is classified as likely benign based on ACMG/AMP sequence variant interpretation guidelines (Richards et al. 2015 PMID: 25741868, with internal and published modifications).

NM_004813.4(PEX16):c.771G>A (p.Leu257=)

Gene: PEX16 (peroxisomal biogenesis factor 16; minus strand). Cytogenetic location: 11p11.2.
Variant type: single nucleotide variant.
Coding change: c.771G>A on transcript NM_004813.4 (MANE Select); coding-DNA position 771, G replaced by A.
Protein change: p.Leu257=; no amino-acid change (leucine 257 retained).
Molecular consequence: synonymous variant.
Genome position (GRCh38, 1-based): chr11:45,913,935, C>T on the plus strand (G>A on the coding strand, the complement: PEX16 is on the minus strand). VCF-style: chr11-45913935-C-T. GRCh37 (hg19) VCF-style: chr11-45935486-C-T.
Other names: c.771G>A (NM_004813.2); c.771G>A, p.Leu257= (NM_057174.3).
Identifiers: ClinVar variation 3006593 (VCV003006593.5), dbSNP rs370948159, ClinGen allele CA5959823.